The following is an entry in ClinVar:

NM_032888.4(COL27A1):c.1663G>C (p.Val555Leu)

Gene: COL27A1 (collagen type XXVII alpha 1 chain; plus strand). Cytogenetic location: 9q32.
Variant type: single nucleotide variant.
Coding change: c.1663G>C on transcript NM_032888.4 (MANE Select); coding-DNA position 1663, G replaced by C.
Protein change: p.Val555Leu; replaces valine 555 with leucine.
Molecular consequence: missense variant.
Genome position (GRCh38, 1-based): chr9:114,169,218, G>C. VCF-style: chr9-114169218-G-C. GRCh37 (hg19) VCF-style: chr9-116931498-G-C.
Other names: short protein forms V555L.
Identifiers: ClinVar variation 1951397 (VCV001951397.2), dbSNP rs998260212, ClinGen allele CA198608816.

ClinVar aggregate classification (germline): Uncertain significance (1 of 4 stars; one submission).

Allele frequency attached by ClinVar (database versions not stated): gnomAD 0.00001; TOPMed 0.00001.
gnomAD v4.1: 7 of 1,613,902 alleles (0.00043%); highest among the groups gnomAD compares: South Asian, 0.0011%; no homozygotes.

Submission:

Labcorp Genetics (formerly Invitae), Labcorp
Classification: Uncertain significance. Last evaluated: 2022-06-05. Review status: criteria provided, single submitter. Criteria: Invitae Variant Classification Sherloc (09022015). Collection method: clinical testing. Allele origin: germline.
Comment: This sequence change replaces valine, which is neutral and non-polar, with leucine, which is neutral and non-polar, at codon 555 of the COL27A1 protein (p.Val555Leu). This variant is present in population databases (no rsID available, gnomAD 0.003%). This variant has not been reported in the literature in individuals affected with COL27A1-related conditions. Advanced modeling of protein sequence and biophysical properties (such as structural, functional, and spatial information, amino acid conservation, physicochemical variation, residue mobility, and thermodynamic stability) performed at Invitae indicates that this missense variant is not expected to disrupt COL27A1 protein function. In summary, the available evidence is currently insufficient to determine the role of this variant in disease. Therefore, it has been classified as a Variant of Uncertain Significance.